The following is an entry in ClinVar:

NM_000492.4(CFTR):c.3844T>G (p.Trp1282Gly)

Genes: CFTR (CF transmembrane conductance regulator; plus strand), CFTR-AS2 (CFTR antisense RNA 2; minus strand). Cytogenetic location: 7q31.2.
Variant type: single nucleotide variant.
Coding change: c.3844T>G on transcript NM_000492.4 (MANE Select); coding-DNA position 3844, T replaced by G.
Protein change: p.Trp1282Gly; replaces tryptophan 1282 with glycine.
Molecular consequence: missense variant.
Genome position (GRCh38, 1-based): chr7:117,642,564, T>G. VCF-style: chr7-117642564-T-G. GRCh37 (hg19) VCF-style: chr7-117282618-T-G.
Other names: short protein forms W1282G.
Identifiers: ClinVar variation 53821 (VCV000053821.4), dbSNP rs397508616, ClinGen allele CA327305.

ClinVar aggregate classification (germline): Pathogenic. Review status: criteria provided, multiple submitters, no conflicts (2 of 4 stars). 3 submissions from 3 submitters: Pathogenic (2). 1 of the submissions does not count toward it. Last evaluated 2021-02-25.

Conditions:
Cystic fibrosis (CF). Also called: MUCOVISCIDOSIS. Identifiers: Orphanet 586, MedGen C0010674, MONDO:0009061, OMIM 219700. Disease mechanism: loss of function.

Submissions (3):

Ambry Genetics
Classification: Pathogenic for Cystic fibrosis. Last evaluated: 2021-02-25. Review status: criteria provided, single submitter. Criteria: Ambry Variant Classification Scheme 2023. Collection method: clinical testing. Allele origin: germline.
Comment: The p.W1282G pathogenic mutation (also known as c.3844T>G), located in coding exon 23 of the CFTR gene, results from a T to G substitution at nucleotide position 3844. The tryptophan at codon 1282 is replaced by glycine, an amino acid with highly dissimilar properties. This mutation has been reported in individuals diagnosed with cystic fibrosis (Faucz FR et al. Clin Genet, 2007 Sep;72:218-23; Visca A et al. J Cyst Fibros, 2008 Sep;7:433-6). Another alteration at the same codon, p.W1282R (c.3844T>C), has been detected in multiple individuals who had a pathogenic variant on the other chromosome (Petrova NV et al. Genes (Basel), 2020 9;11(10):1137). Based on internal structural analysis, p.W1282G is anticipated to result in a decrease in structural stability (Liu F et al. Cell, 2017 03;169:85-95.e8). This variant was not reported in population-based cohorts in the Genome Aggregation Database (gnomAD). In addition, this alteration is predicted to be deleterious by in silico analysis. Based on the supporting evidence, this alteration is interpreted as a disease-causing mutation.

Mendelics
Classification: Pathogenic for Cystic fibrosis. Last evaluated: 2018-11-05. Review status: criteria provided, single submitter. Criteria: Mendelics Assertion Criteria 2017. Collection method: clinical testing. Allele origin: unknown. Affected: yes.

ClinVar Staff, National Center for Biotechnology Information (NCBI)
No classification provided. Condition: CFTR-related disorders. Review status: no classification provided. Collection method: literature only. Allele origin: germline. Affected: yes. Not counted in ClinVar's aggregate classification.

Literature cited by the submitters: PubMed 17718859 (cited by Ambry Genetics and ClinVar Staff, National Center for Biotechnology Information (NCBI)); PubMed 18499536 (cited by Ambry Genetics); PubMed 28340353 (cited by Ambry Genetics).